The following is an entry in ClinVar:

NM_000256.3(MYBPC3):c.2990del (p.Phe997fs)

Gene: MYBPC3 (myosin binding protein C3; minus strand). Cytogenetic location: 11p11.2.
Variant type: Deletion.
Coding change: c.2990del on transcript NM_000256.3 (MANE Select); coding-DNA position 2990, one base deleted (T; older notation c.2990delT).
Protein change: p.Phe997fs; shifts the reading frame from phenylalanine 997.
Molecular consequence: frameshift variant.
Genome position (GRCh38, 1-based): chr11:47,333,926, A deleted on the plus strand (T on the coding strand, the reverse complement: MYBPC3 is on the minus strand); the first of 3 consecutive A bases (chr11:47,333,926-47,333,928); deleting any one gives the same sequence. VCF-style (leftmost placement, unchanged base first): chr11-47333925-GA-G. GRCh37 (hg19) VCF-style: chr11-47355476-GA-G.
Other names: c.2990delT (NM_000256.3); short protein forms F997fs.
Identifiers: ClinVar variation 1798519 (VCV001798519.3), dbSNP rs2495742629, ClinGen allele CA2580084251.
Genomic context (GRCh38, chr11:47,333,925, plus strand): 5'-GGAACAACACACTATAGCCTCTCTCCCCTGGGGGACAGGGAAGGGGGCCAGTCCCACCTG[GA>G]AAGGGATGAGAAGGTTCACAGGCTCCCCGACCTTCTTCTGAATGGTCTGGCGCAGGTGCC-3'

ClinVar aggregate classification (germline): Pathogenic (1 of 4 stars; one submission).

Conditions:
Cardiovascular phenotype. Identifiers: MedGen CN230736.

Submission:

Ambry Genetics
Classification: Pathogenic for Cardiovascular phenotype. Last evaluated: 2024-06-03. Review status: criteria provided, single submitter. Criteria: Ambry Variant Classification Scheme 2023. Collection method: clinical testing. Allele origin: germline.
Comment: The c.2990delT pathogenic mutation, located in coding exon 28 of the MYBPC3 gene, results from a deletion of one nucleotide at nucleotide position 2990, causing a translational frameshift with a predicted alternate stop codon (p.F997Sfs*9). This variant is considered to be rare based on population cohorts in the Genome Aggregation Database (gnomAD). This alteration is expected to result in loss of function by premature protein truncation or nonsense-mediated mRNA decay. As such, this alteration is interpreted as a disease-causing mutation.